The following is an entry in ClinVar:

ClinVar aggregate classification (germline): Likely benign (1 of 4 stars; one submission).

Allele frequency attached by ClinVar (database versions not stated): gnomAD 0.00368 and 0.00392; 1000 Genomes Project 0.00379; 1000 Genomes Project 30x 0.00422; TOPMed 0.00427.
gnomAD v4.1: 561 of 151,950 alleles (0.37%); highest among the groups gnomAD compares: African/African-American, 1.1%; 5 homozygotes.

Submission:

GeneDx
Classification: Likely benign. Last evaluated: 2018-06-19. Review status: criteria provided, single submitter. Criteria: GeneDx Variant Classification (06012015). Collection method: clinical testing. Allele origin: germline. Affected: yes.
Comment: This variant is considered likely benign or benign based on one or more of the following criteria: it is a conservative change, it occurs at a poorly conserved position in the protein, it is predicted to be benign by multiple in silico algorithms, and/or has population frequency not consistent with disease.

NM_020297.4(ABCC9):c.2506-301G>T

Gene: ABCC9 (ATP binding cassette subfamily C member 9; minus strand). Cytogenetic location: 12p12.1.
Variant type: single nucleotide variant.
Coding change: c.2506-301G>T on transcript NM_020297.4 (MANE Select); 301 bases into the intron before coding-DNA position 2506, G replaced by T.
Molecular consequence: intron variant.
Genome position (GRCh38, 1-based): chr12:21,852,806, C>A on the plus strand (G>T on the coding strand, the complement: ABCC9 is on the minus strand). VCF-style: chr12-21852806-C-A. GRCh37 (hg19) VCF-style: chr12-22005740-C-A.
Other names: c.1639-301G>T (NM_001377274.1); c.2506-301G>T (NM_005691.4, NM_001377273.1).
Identifiers: ClinVar variation 681338 (VCV000681338.1), dbSNP rs115100427, ClinGen allele CA233600152.